The following is an entry in ClinVar:

NM_006790.3(MYOT):c.449T>C (p.Ile150Thr)

Genes: MYOT (myotilin; plus strand), PKD2L2-DT (PKD2L2 divergent transcript; minus strand). Cytogenetic location: 5q31.2.
Variant type: single nucleotide variant.
Coding change: c.449T>C on transcript NM_006790.3 (MANE Select); coding-DNA position 449, T replaced by C.
Protein change: p.Ile150Thr; replaces isoleucine 150 with threonine.
Molecular consequence: missense variant. On other transcripts: 5 prime UTR variant (1).
Genome position (GRCh38, 1-based): chr5:137,875,921, T>C. VCF-style: chr5-137875921-T-C. GRCh37 (hg19) VCF-style: chr5-137211610-T-C.
Other names: p.Ile150Thr; c.449T>C (NM_006790.2); c.-104T>C (NM_001135940.2); c.104T>C, p.Ile35Thr (NM_001300911.2); short protein forms I150T, I35T.
Identifiers: ClinVar variation 1056080 (VCV001056080.15), dbSNP rs1163332539, ClinGen allele CA361054143.
Genomic context (GRCh38, chr5:137,875,921, plus strand): 5'-ATGCAAAGCCATCCCAAACTGCAAATGCTAAGCCCATACCAAGAACTCCTGATCATGAAA[T>C]ACAAGGATCAAAAGAAGCTTTGATTCAAGATTTGGAAAGAAAGCTGAAATGCAAGGACAC-3'
Protein context (NP_006781.1, residues 140-160): KPIPRTPDHE[Ile150Thr]QGSKEALIQD

ClinVar aggregate classification (germline): Uncertain significance. Review status: criteria provided, multiple submitters, no conflicts (2 of 4 stars). 6 submissions from 6 submitters: Uncertain significance (6). Last evaluated 2025-08-18.

Conditions:
Inborn genetic diseases. Identifiers: MedGen C0950123, MeSH D030342.
Myofibrillar myopathy 3 (MFM3). Also called: Muscular dystrophy, proximal, type 1A; Autosomal dominant spheroid body myopathy. Identifiers: Orphanet 266, Orphanet 268129, MedGen C3714934, MONDO:0012215, OMIM 609200.

Allele frequency attached by ClinVar (database versions not stated): gnomAD exomes below 0.00001; TOPMed 0.00001; gnomAD 0.00003.
gnomAD v4.1: 10 of 1,613,882 alleles (0.00062%); highest among the groups gnomAD compares: Non-Finnish European, 0.00076%; no homozygotes.

Submissions (6):

Labcorp Genetics (formerly Invitae), Labcorp
Classification: Uncertain significance for Myofibrillar myopathy 3. Last evaluated: 2025-08-18. Review status: criteria provided, single submitter. Criteria: Invitae Variant Classification Sherloc (09022015). Collection method: clinical testing. Allele origin: germline.
Comment: This sequence change replaces isoleucine, which is neutral and non-polar, with threonine, which is neutral and polar, at codon 150 of the MYOT protein (p.Ile150Thr). This variant is present in population databases (no rsID available, gnomAD 0.007%). This variant has not been reported in the literature in individuals affected with MYOT-related conditions. ClinVar contains an entry for this variant (Variation ID: 1056080). Invitae Evidence Modeling of protein sequence and biophysical properties (such as structural, functional, and spatial information, amino acid conservation, physicochemical variation, residue mobility, and thermodynamic stability) indicates that this missense variant is not expected to disrupt MYOT protein function with a negative predictive value of 80%. In summary, the available evidence is currently insufficient to determine the role of this variant in disease. Therefore, it has been classified as a Variant of Uncertain Significance.

Revvity Omics, Revvity
Classification: Uncertain significance for Myofibrillar myopathy 3. Last evaluated: 2024-04-01. Review status: criteria provided, single submitter. Criteria: ACMG Guidelines, 2015. Collection method: clinical testing. Allele origin: germline.

GeneDx
Classification: Uncertain significance. Last evaluated: 2023-12-05. Review status: criteria provided, single submitter. Criteria: GeneDx Variant Classification Process June 2021. Collection method: clinical testing. Allele origin: germline.
Comment: Missense variants in this gene are a common cause of disease and they are underrepresented in the general population; In silico analysis supports that this missense variant has a deleterious effect on protein structure/function; Has not been previously published as pathogenic or benign to our knowledge

Ambry Genetics
Classification: Uncertain significance for Inborn genetic diseases. Last evaluated: 2023-09-12. Review status: criteria provided, single submitter. Criteria: Ambry Variant Classification Scheme 2023. Collection method: clinical testing. Allele origin: germline.

Blueprint Genetics
Classification: Uncertain significance. Last evaluated: 2023-03-23. Review status: criteria provided, single submitter. Criteria: ACMG Guidelines, 2015. Collection method: clinical testing. Allele origin: germline.

Mayo Clinic Laboratories, Mayo Clinic
Classification: Uncertain significance. Last evaluated: 2022-03-17. Review status: criteria provided, single submitter. Criteria: ACMG Guidelines, 2015. Collection method: clinical testing. Allele origin: germline. Observed: 1 variant allele.